The following is an entry in ClinVar:

NM_015665.6(AAAS):c.1554T>G (p.Phe518Leu)

Gene: AAAS (aladin WD repeat nucleoporin; minus strand). Cytogenetic location: 12q13.13.
Variant type: single nucleotide variant.
Coding change: c.1554T>G on transcript NM_015665.6 (MANE Select); coding-DNA position 1554, T replaced by G.
Protein change: p.Phe518Leu; replaces phenylalanine 518 with leucine.
Molecular consequence: missense variant.
Genome position (GRCh38, 1-based): chr12:53,307,576, A>C on the plus strand (T>G on the coding strand, the complement: AAAS is on the minus strand). VCF-style: chr12-53307576-A-C. GRCh37 (hg19) VCF-style: chr12-53701360-A-C.
Other names: c.1455T>G, p.Phe485Leu (NM_001173466.2); short protein forms F485L, F518L.
Identifiers: ClinVar variation 1963682 (VCV001963682.2), dbSNP rs1476957324, ClinGen allele CA385035022.

ClinVar aggregate classification (germline): Uncertain significance (1 of 4 stars; one submission).

Allele frequency attached by ClinVar (database versions not stated): TOPMed below 0.00001; gnomAD 0.00001.
gnomAD v4.1: 18 of 1,614,060 alleles (0.0011%); highest among the groups gnomAD compares: Non-Finnish European, 0.0015%; no homozygotes.

Submission:

Labcorp Genetics (formerly Invitae), Labcorp
Classification: Uncertain significance. Last evaluated: 2022-02-24. Review status: criteria provided, single submitter. Criteria: Invitae Variant Classification Sherloc (09022015). Collection method: clinical testing. Allele origin: germline.
Comment: This sequence change replaces phenylalanine, which is neutral and non-polar, with leucine, which is neutral and non-polar, at codon 518 of the AAAS protein (p.Phe518Leu). This variant is present in population databases (no rsID available, gnomAD 0.0009%). This variant has not been reported in the literature in individuals affected with AAAS-related conditions. Algorithms developed to predict the effect of missense changes on protein structure and function are either unavailable or do not agree on the potential impact of this missense change (SIFT: "Deleterious"; PolyPhen-2: "Probably Damaging"; Align-GVGD: "Class C0"). In summary, the available evidence is currently insufficient to determine the role of this variant in disease. Therefore, it has been classified as a Variant of Uncertain Significance.